The following is an entry in ClinVar:

ClinVar aggregate classification (germline): Uncertain significance (1 of 4 stars; one submission).

Conditions:
Inborn genetic diseases. Identifiers: MedGen C0950123, MeSH D030342.

Submission:

Ambry Genetics
Classification: Uncertain significance for Inborn genetic diseases. Last evaluated: 2026-02-24. Review status: criteria provided, single submitter. Criteria: Ambry Variant Classification Scheme 2023. Collection method: clinical testing. Allele origin: germline.
Comment: The p.T695R variant (also known as c.2084C>G), located in coding exon 14 of the ERCC6L2 gene, results from a C to G substitution at nucleotide position 2084. The threonine at codon 695 is replaced by arginine, an amino acid with similar properties. This amino acid position is conserved. In addition, the in silico prediction for this alteration is inconclusive. Based on the available evidence, the clinical significance of this variant remains unclear.

NM_020207.7(ERCC6L2):c.2084C>G (p.Thr695Arg)

Gene: ERCC6L2 (ERCC excision repair 6 like 2; plus strand). Cytogenetic location: 9q22.32.
Variant type: single nucleotide variant.
Coding change: c.2084C>G on transcript NM_020207.7 (MANE Select); coding-DNA position 2084, C replaced by G.
Protein change: p.Thr695Arg; replaces threonine 695 with arginine.
Molecular consequence: missense variant. On other transcripts: non-coding transcript variant (1).
Genome position (GRCh38, 1-based): chr9:95,966,698, C>G. VCF-style: chr9-95966698-C-G. GRCh37 (hg19) VCF-style: chr9-98728980-C-G.
Other names: c.2084C>G, p.Thr695Arg (NM_001010895.4, NM_001375291.1, NM_001375292.1 and 2 more transcripts); short protein forms T695R.
Identifiers: ClinVar variation 4827680 (VCV004827680.1).